The following is an entry in ClinVar:

NM_018136.5(ASPM):c.1697C>A (p.Ser566Ter)

Gene: ASPM (assembly factor for spindle microtubules; minus strand). Cytogenetic location: 1q31.3.
Variant type: single nucleotide variant.
Coding change: c.1697C>A on transcript NM_018136.5 (MANE Select); coding-DNA position 1697, C replaced by A.
Protein change: p.Ser566Ter; replaces serine 566 with a stop codon.
Molecular consequence: nonsense.
Genome position (GRCh38, 1-based): chr1:197,142,555, G>T on the plus strand (C>A on the coding strand, the complement: ASPM is on the minus strand). VCF-style: chr1-197142555-G-T. GRCh37 (hg19) VCF-style: chr1-197111685-G-T.
Other names: c.1697C>A, p.Ser566Ter (NM_001206846.2); short protein forms S566*.
Identifiers: ClinVar variation 432552 (VCV000432552.3), dbSNP rs555866170, ClinGen allele CA344014827.

ClinVar aggregate classification (germline): Pathogenic. Review status: criteria provided, multiple submitters, no conflicts (2 of 4 stars). 2 submissions from 2 submitters: Pathogenic (2). Last evaluated 2025-02-11.

Conditions:
Autosomal recessive primary microcephaly. Identifiers: Orphanet 2512, MedGen C3711387, MONDO:0016660.

Submissions (2):

Women's Health and Genetics/Laboratory Corporation of America, LabCorp
Classification: Pathogenic for Autosomal recessive primary microcephaly. Last evaluated: 2025-02-11. Review status: criteria provided, single submitter. Criteria: LabCorp Variant Classification Summary - May 2015. Collection method: clinical testing. Allele origin: germline.
Comment: Variant summary: ASPM c.1697C>A (p.Ser566X) results in a premature termination codon, predicted to cause a truncation of the encoded protein or absence of the protein due to nonsense mediated decay, which are commonly known mechanisms for disease. The variant was absent in 251100 control chromosomes. To our knowledge, no occurrence of c.1697C>A in individuals affected with Primary microcephaly and no experimental evidence demonstrating its impact on protein function have been reported. ClinVar contains an entry for this variant (Variation ID: 432552). Based on the evidence outlined above, the variant was classified as pathogenic.

GeneDx
Classification: Pathogenic. Last evaluated: 2017-06-08. Review status: criteria provided, single submitter. Criteria: GeneDx Variant Classification (06012015). Collection method: clinical testing. Allele origin: germline. Affected: yes.
Comment: The S566X nonsense variant in the ASPM gene is predicted to cause loss of normal protein function either through protein truncation or nonsense-mediated mRNA decay. The S566X variant is not observed in large population cohorts (Lek et al., 2016; 1000 Genomes Consortium et al., 2015; Exome Variant Server). Furthermore, downstream nonsense variants have been reported in the Human Gene Mutation Database in association with primary microcephaly (Stenson et al., 2014). Although this pathogenic variant has not been reported previously to our knowledge, it is interpreted to be a pathogenic variant.